The following is an entry in ClinVar:

ClinVar aggregate classification (germline): Uncertain significance (1 of 4 stars; one submission).

Conditions:
Cardiovascular phenotype. Identifiers: MedGen CN230736.

Submission:

Ambry Genetics
Classification: Uncertain significance for Cardiovascular phenotype. Last evaluated: 2025-12-19. Review status: criteria provided, single submitter. Criteria: Ambry Variant Classification Scheme 2023. Collection method: clinical testing. Allele origin: germline.
Comment: The p.V121M variant (also known as c.361G>A), located in coding exon 1 of the DOLK gene, results from a G to A substitution at nucleotide position 361. The valine at codon 121 is replaced by methionine, an amino acid with highly similar properties. This amino acid position is conserved. In addition, this alteration is predicted to be tolerated by in silico analysis. Based on the available evidence, the clinical significance of this variant remains unclear.

NM_014908.4(DOLK):c.361G>A (p.Val121Met)

Gene: DOLK (dolichol kinase; minus strand). Cytogenetic location: 9q34.11.
Variant type: single nucleotide variant.
Coding change: c.361G>A on transcript NM_014908.4 (MANE Select); coding-DNA position 361, G replaced by A.
Protein change: p.Val121Met; replaces valine 121 with methionine.
Molecular consequence: missense variant.
Genome position (GRCh38, 1-based): chr9:128,946,943, C>T on the plus strand (G>A on the coding strand, the complement: DOLK is on the minus strand). VCF-style: chr9-128946943-C-T. GRCh37 (hg19) VCF-style: chr9-131709222-C-T.
Other names: short protein forms V121M.
Identifiers: ClinVar variation 4841809 (VCV004841809.1).